The following is an entry in ClinVar:

ClinVar aggregate classification (germline): Uncertain significance (1 of 4 stars; one submission).

Conditions:
Vici syndrome (VICIS). Identifiers: Orphanet 1493, MedGen C1855772, MONDO:0009452, OMIM 242840.

Allele frequency attached by ClinVar (database versions not stated): gnomAD exomes below 0.00001 and 0.00002; ExAC 0.00001.
gnomAD v4.1: 10 of 1,606,004 alleles (0.00062%); highest among the groups gnomAD compares: South Asian, 0.01%; no homozygotes.

Submission:

Labcorp Genetics (formerly Invitae), Labcorp
Classification: Uncertain significance for Vici syndrome. Last evaluated: 2024-02-17. Review status: criteria provided, single submitter. Criteria: Invitae Variant Classification Sherloc (09022015). Collection method: clinical testing. Allele origin: germline.
Comment: This sequence change replaces isoleucine, which is neutral and non-polar, with valine, which is neutral and non-polar, at codon 1613 of the EPG5 protein (p.Ile1613Val). This variant is present in population databases (rs746065186, gnomAD 0.003%). This variant has not been reported in the literature in individuals affected with EPG5-related conditions. ClinVar contains an entry for this variant (Variation ID: 1496639). Advanced modeling of protein sequence and biophysical properties (such as structural, functional, and spatial information, amino acid conservation, physicochemical variation, residue mobility, and thermodynamic stability) performed at Invitae indicates that this missense variant is not expected to disrupt EPG5 protein function with a negative predictive value of 80%. In summary, the available evidence is currently insufficient to determine the role of this variant in disease. Therefore, it has been classified as a Variant of Uncertain Significance.

NM_020964.3(EPG5):c.4837A>G (p.Ile1613Val)

Gene: EPG5 (ectopic P-granules 5 autophagy tethering factor; minus strand). Cytogenetic location: 18q12.3.
Variant type: single nucleotide variant.
Coding change: c.4837A>G on transcript NM_020964.3 (MANE Select); coding-DNA position 4837, A replaced by G.
Protein change: p.Ile1613Val; replaces isoleucine 1613 with valine.
Molecular consequence: missense variant.
Genome position (GRCh38, 1-based): chr18:45,889,913, T>C on the plus strand (A>G on the coding strand, the complement: EPG5 is on the minus strand). VCF-style: chr18-45889913-T-C. GRCh37 (hg19) VCF-style: chr18-43469878-T-C.
Other names: short protein forms I1613V.
Identifiers: ClinVar variation 1496639 (VCV001496639.9), dbSNP rs746065186, ClinGen allele CA8948735.